The following is an entry in ClinVar:

ClinVar aggregate classification (germline): Pathogenic (1 of 4 stars; one submission).

Conditions:
Marfan syndrome (MFS). Also called: MARFAN SYNDROME, TYPE I; Marfan syndrome type 1; Marfan's syndrome; Marfan syndrome, classic; FBN1-Related Marfan Syndrome. Identifiers: Orphanet 284963, Orphanet 558, MedGen C0024796, MONDO:0007947, OMIM 154700.
Familial thoracic aortic aneurysm and aortic dissection (TAAD). Also called: Thoracic aortic aneurysms and dissections. Identifiers: Orphanet 91387, MedGen C4707243, MONDO:0019625.

Submission:

Labcorp Genetics (formerly Invitae), Labcorp
Classification: Pathogenic for Marfan syndrome; Familial thoracic aortic aneurysm and aortic dissection. Last evaluated: 2025-02-24. Review status: criteria provided, single submitter. Criteria: Invitae Variant Classification Sherloc (09022015). Collection method: clinical testing. Allele origin: germline.
Comment: This sequence change replaces cysteine, which is neutral and slightly polar, with serine, which is neutral and polar, at codon 1928 of the FBN1 protein (p.Cys1928Ser). This variant is not present in population databases (gnomAD no frequency). This missense change has been observed in individuals with Marfan syndrome (PMID: 19059503; internal data). Invitae Evidence Modeling of protein sequence and biophysical properties (such as structural, functional, and spatial information, amino acid conservation, physicochemical variation, residue mobility, and thermodynamic stability) indicates that this missense variant is expected to disrupt FBN1 protein function with a positive predictive value of 95%. This variant affects a cysteine residue in the EGF-like, TGFBP or hybrid motif domains of FBN1. Cysteine residues are believed to be involved in intramolecular disulfide bridges and have been shown to be important for FBN1 protein structure (PMID: 16905551, 19349279). In addition, missense substitutions affecting cysteine residues within these domains are significantly overrepresented among patients with Marfan syndrome (PMID: 16571647, 17701892). For these reasons, this variant has been classified as Pathogenic.

Literature cited by the submitters: PubMed 19059503; PubMed 16905551; PubMed 19349279; PubMed 16571647; PubMed 17701892.

NM_000138.5(FBN1):c.5783G>C (p.Cys1928Ser)

Gene: FBN1 (fibrillin 1; minus strand). Cytogenetic location: 15q21.1.
Variant type: single nucleotide variant.
Coding change: c.5783G>C on transcript NM_000138.5 (MANE Select); coding-DNA position 5783, G replaced by C.
Protein change: p.Cys1928Ser; replaces cysteine 1928 with serine.
Molecular consequence: missense variant.
Genome position (GRCh38, 1-based): chr15:48,446,711, C>G on the plus strand (G>C on the coding strand, the complement: FBN1 is on the minus strand). VCF-style: chr15-48446711-C-G. GRCh37 (hg19) VCF-style: chr15-48738908-C-G.
Other names: c.5783G>C, p.Cys1928Ser (NM_001406716.1); short protein forms C1928S.
Identifiers: ClinVar variation 3759275 (VCV003759275.2).